The following is an entry in ClinVar:

ClinVar aggregate classification (germline): Uncertain significance. Review status: criteria provided, multiple submitters, no conflicts (2 of 4 stars). 2 submissions from 2 submitters: Uncertain significance (2). Last evaluated 2021-06-30.

Conditions:
Inborn genetic diseases. Identifiers: MedGen C0950123, MeSH D030342.

Allele frequency attached by ClinVar (database versions not stated): gnomAD exomes below 0.00001 and 0.00002.
gnomAD v4.1: 3 of 1,211,992 alleles (0.00025%); highest among the groups gnomAD compares: Admixed American, 0.0065%; no homozygotes.

Submissions (2):

GeneDx
Classification: Uncertain significance. Last evaluated: 2021-06-30. Review status: criteria provided, single submitter. Criteria: GeneDx Variant Classification Process June 2021. Collection method: clinical testing. Allele origin: germline. Affected: yes.
Comment: In silico analysis supports that this missense variant does not alter protein structure/function; Has not been previously published as pathogenic or benign to our knowledge; This variant is associated with the following publications: (PMID: 27535533)

Ambry Genetics
Classification: Uncertain significance for Inborn genetic diseases. Last evaluated: 2017-12-19. Review status: criteria provided, single submitter. Criteria: Ambry Variant Classification Scheme 2023. Collection method: clinical testing. Allele origin: germline.
Comment: The p.S1173N variant (also known as c.3518G>A), located in coding exon 23 of the KDM5C gene, results from a G to A substitution at nucleotide position 3518. The serine at codon 1173 is replaced by asparagine, an amino acid with highly similar properties. This amino acid position is not well conserved in available vertebrate species. In addition, this alteration is predicted to be tolerated by in silico analysis. Since supporting evidence is limited at this time, the clinical significance of this alteration remains unclear.

NM_004187.5(KDM5C):c.3518G>A (p.Ser1173Asn)

Gene: KDM5C (lysine demethylase 5C; minus strand). Cytogenetic location: Xp11.22.
Variant type: single nucleotide variant.
Coding change: c.3518G>A on transcript NM_004187.5 (MANE Select); coding-DNA position 3518, G replaced by A.
Protein change: p.Ser1173Asn; replaces serine 1173 with asparagine.
Molecular consequence: missense variant. On other transcripts: non-coding transcript variant (3).
Genome position (GRCh38, 1-based): chrX:53,194,659, C>T on the plus strand (G>A on the coding strand, the complement: KDM5C is on the minus strand). VCF-style: chrX-53194659-C-T. GRCh37 (hg19) VCF-style: chrX-53223841-C-T.
Other names: c.3317G>A, p.Ser1106Asn (NM_001146702.2); c.3515G>A, p.Ser1172Asn (NM_001282622.3, NM_001353979.2, NM_001353982.2); c.3518G>A, p.Ser1173Asn (NM_001353978.3, NM_001353981.2, NM_001353984.2); short protein forms S1173N, S1106N, S1172N.
Identifiers: ClinVar variation 589049 (VCV000589049.7), dbSNP rs1556834744, ClinGen allele CA413108746.